The following is an entry in ClinVar:

ClinVar aggregate classification (germline): Benign (1 of 4 stars; one submission).

Allele frequency attached by ClinVar (database versions not stated): 1000 Genomes Project 0.40196; 1000 Genomes Project 30x 0.40631; gnomAD 0.47144 and 0.47758; TOPMed 0.47438.
gnomAD v4.1: 71,623 of 151,956 alleles (47%); highest among the groups gnomAD compares: Middle Eastern, 55%; 17,235 homozygotes.

Submission:

GeneDx
Classification: Benign. Last evaluated: 2018-06-19. Review status: criteria provided, single submitter. Criteria: GeneDx Variant Classification (06012015). Collection method: clinical testing. Allele origin: germline. Affected: yes.
Comment: This variant is considered likely benign or benign based on one or more of the following criteria: it is a conservative change, it occurs at a poorly conserved position in the protein, it is predicted to be benign by multiple in silico algorithms, and/or has population frequency not consistent with disease.

NM_022041.4(GAN):c.283-283A>G

Gene: GAN (gigaxonin; plus strand). Cytogenetic location: 16q23.2.
Variant type: single nucleotide variant.
Coding change: c.283-283A>G on transcript NM_022041.4 (MANE Select); 283 bases into the intron before coding-DNA position 283, A replaced by G.
Molecular consequence: intron variant.
Genome position (GRCh38, 1-based): chr16:81,354,122, A>G. VCF-style: chr16-81354122-A-G. GRCh37 (hg19) VCF-style: chr16-81387727-A-G.
Other names: c.-357-283A>G (NM_001377486.1).
Identifiers: ClinVar variation 682665 (VCV000682665.1), dbSNP rs729181, ClinGen allele CA15867116.
Genomic context (GRCh38, chr16:81,354,122, plus strand): 5'-GAACTTTCCATTTCCCAAGCATTTGAGTCATTAAGGTTTTTCTCTGAATTACAGAAGTGA[A>G]CAACATGGACAGTTCACCCTAAAAGGGTTATTGGTGGTTGACATTGGTACAGCAAGGGCA-3'